The following is an entry in ClinVar:

NM_016734.3(PAX5):c.872G>T (p.Ser291Ile)

Gene: PAX5 (paired box 5; minus strand). Cytogenetic location: 9p13.2.
Variant type: single nucleotide variant.
Coding change: c.872G>T on transcript NM_016734.3 (MANE Select); coding-DNA position 872, G replaced by T.
Protein change: p.Ser291Ile; replaces serine 291 with isoleucine.
Molecular consequence: missense variant. On other transcripts: intron variant (2).
Genome position (GRCh38, 1-based): chr9:36,923,393, C>A on the plus strand (G>T on the coding strand, the complement: PAX5 is on the minus strand). VCF-style: chr9-36923393-C-A. GRCh37 (hg19) VCF-style: chr9-36923390-C-A.
Other names: c.872G>T, p.Ser291Ile (NM_001280547.2, NM_001280548.2, NM_001280552.2); c.548G>T, p.Ser183Ile (NM_001280551.2, NM_001280556.2); c.743G>T, p.Ser248Ile (NM_001280553.2, NM_001280554.2); c.674G>T, p.Ser225Ile (NM_001280555.2); c.780+43156G>T (NM_001280550.2, NM_001280549.2); short protein forms S183I, S291I, S225I, S248I.
Identifiers: ClinVar variation 5026295 (VCV005026295.1).

ClinVar aggregate classification (germline): Uncertain significance (1 of 4 stars; one submission).

Conditions:
Inborn genetic diseases. Identifiers: MedGen C0950123, MeSH D030342.

Submission:

Ambry Genetics
Classification: Uncertain significance for Inborn genetic diseases. Last evaluated: 2026-07-11. Review status: criteria provided, single submitter. Criteria: Ambry Variant Classification Scheme 2023. Collection method: clinical testing. Allele origin: germline.
Comment: The p.S291I variant (also known as c.872G>T), located in coding exon 7 of the PAX5 gene, results from a G to T substitution at nucleotide position 872. The serine at codon 291 is replaced by isoleucine, an amino acid with dissimilar properties. This amino acid position is conserved. In addition, the in silico prediction for this alteration is inconclusive. Based on the available evidence, the clinical significance of this variant remains unclear.